The following is an entry in ClinVar:

NM_000136.3(FANCC):c.883G>A (p.Asp295Asn)

Genes: AOPEP (aminopeptidase O (putative); plus strand), FANCC (FA complementation group C; minus strand). Cytogenetic location: 9q22.32.
Variant type: single nucleotide variant.
Coding change: c.883G>A on transcript NM_000136.3 (MANE Select); coding-DNA position 883, G replaced by A.
Protein change: p.Asp295Asn; replaces aspartic acid 295 with asparagine.
Molecular consequence: missense variant.
Genome position (GRCh38, 1-based): chr9:95,126,542, C>T on the plus strand (G>A on the coding strand, the complement: FANCC is on the minus strand). VCF-style: chr9-95126542-C-T. GRCh37 (hg19) VCF-style: chr9-97888824-C-T.
Other names: c.883G>A, p.Asp295Asn (NM_001243743.2, NM_001243744.2); short protein forms D295N.
Identifiers: ClinVar variation 4022428 (VCV004022428.1).
Genomic context (GRCh38, chr9:95,126,542, plus strand): 5'-GGAACCTTTTTTACATCAATTACTAGAAGAAACAGTGTAACGTTTACCTGAACATCTCAT[C>T]AACAACCCGGAATATGGCAGGGTGGCAGGCTGCTTGAGGCTGTAAAAGGAGAAGACCATG-3'
Protein context (NP_000127.2, residues 285-305): ACHPAIFRVV[Asp295Asn]EMFRCALLET

ClinVar aggregate classification (germline): Uncertain significance (1 of 4 stars; one submission).

Conditions:
Hereditary cancer-predisposing syndrome. Also called: Tumor predisposition; Hereditary neoplastic syndrome; Neoplastic Syndromes, Hereditary; Hereditary Cancer Syndrome. Identifiers: Orphanet 140162, MedGen C0027672, MeSH D009386, MONDO:0015356.

Submission:

Ambry Genetics
Classification: Uncertain significance for Hereditary cancer-predisposing syndrome. Last evaluated: 2025-05-27. Review status: criteria provided, single submitter. Criteria: Ambry Variant Classification Scheme 2023. Collection method: clinical testing. Allele origin: germline.
Comment: The p.D295N variant (also known as c.883G>A), located in coding exon 8 of the FANCC gene, results from a G to A substitution at nucleotide position 883. The aspartic acid at codon 295 is replaced by asparagine, an amino acid with highly similar properties. This amino acid position is conserved. In addition, this alteration is predicted to be tolerated by in silico analysis. Based on the available evidence, the clinical significance of this variant remains unclear.